The following is an entry in ClinVar:

ClinVar aggregate classification (germline): Benign/Likely benign. Review status: criteria provided, single submitter (1 of 4 stars). 3 submissions from 1 submitter: Benign (2); Likely benign (1). Last evaluated 2017-04-27.

Conditions:
Desmin-related myofibrillar myopathy (MFM1). Also called: Desminopathy; Desmin related myopathy (former name); Desmin storage myopathy (former name); MYOFIBRILLAR MYOPATHY WITH ARRHYTHMOGENIC RIGHT VENTRICULAR CARDIOMYOPATHY; DESMIN-RELATED MYOPATHY WITH ARRHYTHMOGENIC RIGHT VENTRICULAR CARDIOMYOPATHY; Myofibrillar myopathy 1. Identifiers: Orphanet 363543, Orphanet 98909, MedGen C1832370, MONDO:0011076, OMIM 601419.
Dilated cardiomyopathy 1I (CMD1I). Identifiers: Orphanet 154, MedGen C1858154, MONDO:0011482, OMIM 604765.
Neurogenic scapuloperoneal syndrome, Kaeser type (SCPNK). Also called: KAESER SYNDROME. Identifiers: Orphanet 85146, MedGen C1867005, MONDO:0008407, OMIM 181400.

Allele frequency attached by ClinVar (database versions not stated): gnomAD exomes 0.00021; gnomAD 0.00116 and 0.00131; TOPMed 0.00138; 1000 Genomes Project 0.00140; 1000 Genomes Project 30x 0.00156.

Submissions (3):

Illumina Laboratory Services, Illumina
Classification: Likely benign for Dilated cardiomyopathy 1I. Last evaluated: 2017-04-27. Review status: criteria provided, single submitter. Criteria: ICSL Variant Classification Criteria 13 December 2019. Collection method: clinical testing. Allele origin: germline.
Comment: This variant was observed as part of a predisposition screen in an ostensibly healthy population. A literature search was performed for the gene, cDNA change, and amino acid change (where applicable). No publications were found based on this search. Allele frequency data from public databases allowed determination this variant is unlikely to cause disease. Therefore, this variant is classified as likely benign.

Illumina Laboratory Services, Illumina
Classification: Benign for Myofibrillar myopathy 1. Last evaluated: 2017-04-27. Review status: criteria provided, single submitter. Criteria: ICSL Variant Classification Criteria 13 December 2019. Collection method: clinical testing. Allele origin: germline.
Comment: This variant was observed as part of a predisposition screen in an ostensibly healthy population. A literature search was performed for the gene, cDNA change, and amino acid change (where applicable). No publications were found based on this search. Allele frequency data from public databases was too high to be consistent with this variant causing disease. Therefore, this variant is classified as benign.

Illumina Laboratory Services, Illumina
Classification: Benign for Neurogenic scapuloperoneal syndrome, Kaeser type. Last evaluated: 2017-04-27. Review status: criteria provided, single submitter. Criteria: ICSL Variant Classification Criteria 13 December 2019. Collection method: clinical testing. Allele origin: germline.
Comment: the same text as in the submission from Illumina Laboratory Services, Illumina above.

NM_001927.4(DES):c.*475T>G

Gene: DES (desmin; plus strand). Cytogenetic location: 2q35.
Variant type: single nucleotide variant.
Coding change: c.*475T>G on transcript NM_001927.4 (MANE Select); 475 bases downstream of the stop codon, T replaced by G.
Molecular consequence: 3 prime UTR variant.
Genome position (GRCh38, 1-based): chr2:219,426,465, T>G. VCF-style: chr2-219426465-T-G. GRCh37 (hg19) VCF-style: chr2-220291187-T-G.
Identifiers: ClinVar variation 898621 (VCV000898621.5), dbSNP rs138913201, ClinGen allele CA65987507.
Genomic context (GRCh38, chr2:219,426,465, plus strand): 5'-CAGGAGAGAGAAAGCCAGGCAGGTAGCCAGGGGGACTAGCCCCTGTGGAGACTGGGGGGC[T>G]TGAAATTGTCCCCGTGGTCTCTTACTTTCCTTTCCCCAGCCCAGGGTGGACTTAGAAAGC-3'